The following is an entry in ClinVar:

ClinVar aggregate classification (germline): Pathogenic/Likely pathogenic. Review status: criteria provided, multiple submitters, no conflicts (2 of 4 stars). 19 submissions from 19 submitters: Pathogenic (12); Likely pathogenic (1). 6 of the submissions do not count toward it. Last evaluated 2026-06-03.

Conditions:
Bardet-Biedl syndrome (BBS). Identifiers: Orphanet 110, MedGen C0752166, MONDO:0015229.
Bardet-Biedl syndrome 1 (BBS1). Identifiers: MedGen C2936862, MONDO:0008854, OMIM 209900. Disease mechanism: loss of function.
BBS1-related disorder. Also called: BBS1-related condition.
Retinitis pigmentosa (RP). Identifiers: Orphanet 791, MedGen C0035334, MeSH D012174, MONDO:0019200, OMIM 268000. Inheritance: Autosomal dominant, autosomal recessive and X linked inheritance.
Retinal dystrophy. Also called: Inherited retinal dystrophy. Identifiers: Orphanet 71862, MedGen C0854723, MeSH D058499, MONDO:0019118, HP:0000556.
Retinal disorder. Also called: Retinopathies; Retinal Diseases; Retinal disorders; Retinopathy. Identifiers: MedGen C0035309, MONDO:0005283, HP:0000488.

Allele frequency attached by ClinVar (database versions not stated): gnomAD exomes 0.00001 and 0.00003; gnomAD 0.00003; ExAC 0.00004; TOPMed 0.00005; ESP Exome Variant Server 0.00008.
gnomAD v4.1: 15 of 1,613,984 alleles (0.00093%); highest among the groups gnomAD compares: Middle Eastern, 0.016%; no homozygotes.

Submissions (19):

PreventionGenetics, part of Exact Sciences
Classification: Pathogenic for BBS1-related condition. Last evaluated: 2026-06-03. Review status: criteria provided, single submitter. Criteria: ACMG Guidelines, 2015. Collection method: clinical testing. Allele origin: germline.
Comment: The BBS1 c.479G>A variant is predicted to result in the amino acid substitution p.Arg160Gln. This variant has been reported along with a second BBS1 variant in individuals with non-syndromic retinitis pigmentosa or Bardet-Biedl syndrome (Sharon et al. 2015. PubMed ID: 26261414; Hichri et al. 2005. PubMed ID: 15770229; Schmid et al. 2011. PubMed ID: 21520335; Hjortshøj et al. 2010. PubMed ID: 20120035). This variant affects the last nucleotide of exon 5 and is predicted to decrease the strength of the canonical splice donor site (SpliceAI, Jaganathan et al. 2019. PubMed ID: 30661751). Functional analysis using RT-PCR confirmed that this variant results in aberrant splicing (Schmid et al. 2011. PubMed ID: 21520335). This variant is present in 0.031% of alleles in individuals of African descent in gnomAD. This variant is interpreted as pathogenic.

Labcorp Genetics (formerly Invitae), Labcorp
Classification: Pathogenic for Bardet-Biedl syndrome. Last evaluated: 2025-11-06. Review status: criteria provided, single submitter. Criteria: Invitae Variant Classification Sherloc (09022015). Collection method: clinical testing. Allele origin: germline.
Comment: This sequence change replaces arginine, which is basic and polar, with glutamine, which is neutral and polar, at codon 160 of the BBS1 protein (p.Arg160Gln). This variant also falls at the last nucleotide of exon 5, which is part of the consensus splice site for this exon. This variant is present in population databases (rs376894444, gnomAD 0.03%). This missense change has been observed in individuals with Bardet-Biedl syndrome or nonsyndromic retinitis pigmentosa (PMID: 15770229, 21520335, 26261414). It has also been observed to segregate with disease in related individuals. ClinVar contains an entry for this variant (Variation ID: 370228). Invitae Evidence Modeling of protein sequence and biophysical properties (such as structural, functional, and spatial information, amino acid conservation, physicochemical variation, residue mobility, and thermodynamic stability) has been performed for this missense variant. However, the output from this modeling did not meet the statistical confidence thresholds required to predict the impact of this variant on BBS1 protein function. Variants that disrupt the consensus splice site are a relatively common cause of aberrant splicing (PMID: 17576681, 9536098). Algorithms developed to predict the effect of sequence changes on RNA splicing suggest that this variant may disrupt the consensus splice site. For these reasons, this variant has been classified as Pathogenic.

Natera, Inc.
Classification: Pathogenic for Bardet-Biedl syndrome type 1. Last evaluated: 2025-07-10. Review status: criteria provided, single submitter. Criteria: Natera Variant Classification Schema (03/2026). Collection method: clinical testing. Allele origin: germline.
Comment: The c.479G>A variant in BBS1 is a missense variant predicted to cause substitution of arginine to glutamine at amino acid 160. This variant is rare in the general population with a frequency below the threshold expected for the associated phenotype(s). This variant has been observed in one or more individuals affected with the associated recessive disease, as either homozygous or compound heterozygous with a second variant (PMID: 32531858, 22773737, 15770229). Computational prediction algorithms indicate this variant is likely to affect gene or protein function. Given the available evidence, this variant is classified as Pathogenic.

North West Genomic Laboratory Hub, Manchester University NHS Foundation Trust
Classification: Pathogenic for Retinal disorders. Last evaluated: 2025-03-27. Review status: criteria provided, single submitter. Criteria: ACGS Best Practice Guidelines for Variant Classification in Rare Disease 2024. Collection method: clinical testing. Allele origin: germline. Affected: yes.
Comment: PP3_Supp PM2_Mod PP1_Str PM3_Str PS3_Mod

Revvity Omics, Revvity
Classification: Likely pathogenic for Bardet-Biedl syndrome 1. Last evaluated: 2024-12-27. Review status: criteria provided, single submitter. Criteria: ACMG Guidelines, 2015. Collection method: clinical testing. Allele origin: germline.

Blueprint Genetics
Classification: Pathogenic for BBS1-related disorders. Last evaluated: 2024-09-19. Review status: criteria provided, single submitter. Criteria: ACMG Guidelines, 2015. Collection method: clinical testing. Allele origin: germline. Affected: yes. Observed: 5 variant alleles.

Fulgent Genetics
Classification: Pathogenic for Bardet-Biedl syndrome 1. Last evaluated: 2024-02-12. Review status: criteria provided, single submitter. Criteria: ACMG Guidelines, 2015. Collection method: clinical testing. Allele origin: germline.

GeneDx
Classification: Pathogenic. Last evaluated: 2023-12-14. Review status: criteria provided, single submitter. Criteria: GeneDx Variant Classification Process June 2021. Collection method: clinical testing. Allele origin: germline. Affected: yes.
Comment: RNA studies demonstrate a damaging effect through aberrant splicing (PMID: 21520335); In silico analysis supports that this missense variant has a deleterious effect on splicing; This variant is associated with the following publications: (PMID: 34426522, 34758253, 26261414, 31456290, 15770229, 21520335, 34940782, 32531858, 35886001)

Genetic Services Laboratory, University of Chicago
Classification: Pathogenic. Last evaluated: 2023-06-16. Review status: criteria provided, single submitter. Criteria: ACMG Guidelines, 2015. Collection method: clinical testing. Allele origin: germline. Affected: yes.
Comment: DNA sequence analysis of the BBS1 gene demonstrated a sequence change, c.479G>A, in exon 5 that results in an amino acid change, p.Arg160Gln. The p.Arg160Gln change affects a moderately conserved amino acid residue located in a domain of the BBS1 protein that is not known to be functional. In-silico missense pathogenicity prediction tools (SIFT, PolyPhen2, Align GVGD, REVEL) provide contradictory results for the p.Arg160Gln substitution. This sequence change has previously been described in several individuals with Bardet-Biedl syndrome and non-syndromic retinitis pigmentosa (PMID: 26261414, 34940782, 31456290, 32531858, 15770229, 21520335). This sequence change has been described in the gnomAD database with a frequency of 0.031% in the African/African American subpopulation (dbSNP rs376894444). This variant occurs in the last nucleotide of exon 5 and based on in-silico splice prediction programs, this sequence change likely affects normal splicing of the BBS1 gene, which would result in an abnormal protein. RNA studies demonstrated aberrant splicing of BBS1 pre-mRNA and reduced amounts of correctly spliced transcripts (PMID: 21520335). Based on these collective evidences, this sequence change is classified as pathogenic.

Institute of Medical Genetics and Applied Genomics, University Hospital Tübingen
Classification: Pathogenic for Retinitis pigmentosa. Last evaluated: 2022-12-20. Review status: criteria provided, single submitter. Criteria: ACMG Guidelines, 2015. Collection method: clinical testing. Allele origin: germline. Inheritance: Autosomal recessive inheritance. Affected: yes.

3billion
Classification: Pathogenic for Bardet-Biedl syndrome 1. Last evaluated: 2022-01-03. Review status: criteria provided, single submitter. Criteria: ACMG Guidelines, 2015. Collection method: clinical testing. Allele origin: germline. Affected: yes. Observed: 1 homozygote.
Comment: Same nucleotide change resulting in same amino acid change has been previously reported as pathogenic/likely pathogenic with strong evidence (ClinVar ID: VCV000370228, PMID:26261414, PS1_S). Functional studies provide strong evidence of the variant having a damaging effect on the gene or gene product (PMID: 21520335, PS3_S). It is observed at an extremely low frequency in the gnomAD v2.1.1 dataset (total allele frequency: 0.000028, PM2_M). Therefore, this variant is classified as pathogenic according to the recommendation of ACMG/AMP guideline.

CeGaT Center for Human Genetics Tuebingen
Classification: Pathogenic. Last evaluated: 2019-09-01. Review status: criteria provided, single submitter. Criteria: CeGaT Center For Human Genetics Tuebingen Variant Classification Criteria Version 2. Collection method: clinical testing. Allele origin: germline. Affected: yes. Observed: 1 variant allele.

Institute of Human Genetics, Univ. Regensburg, Univ. Regensburg
Classification: Pathogenic for Retinal dystrophy. Last evaluated: 2012-01-01. Review status: criteria provided, single submitter. Criteria: ACMG Guidelines, 2015. Collection method: clinical testing. Allele origin: germline. Affected: yes.

Sharon lab, Hadassah-Hebrew University Medical Center
Classification: Pathogenic for Retinitis pigmentosa. Last evaluated: 2019-06-23. Review status: no assertion criteria provided. Collection method: research. Allele origin: inherited. Affected: yes. Not counted in ClinVar's aggregate classification.

Counsyl
Classification: Likely pathogenic for Bardet-Biedl syndrome 1. Last evaluated: 2015-12-23. Review status: no assertion criteria provided. Collection method: clinical testing. Allele origin: unknown. Not counted in ClinVar's aggregate classification.

NIHR Bioresource Rare Diseases, University of Cambridge
Classification: Likely pathogenic for Retinitis pigmentosa. Last evaluated: 2015-01-01. Review status: no assertion criteria provided. Collection method: research. Allele origin: unknown. Affected: yes. Observed: 1 variant allele. Not counted in ClinVar's aggregate classification.

Clinical Genetics DNA and cytogenetics Diagnostics Lab, Erasmus MC, Erasmus Medical Center
Classification: Likely pathogenic. Review status: no assertion criteria provided. Collection method: clinical testing. Allele origin: germline. Affected: yes. Study: VKGL Data-share Consensus. Not counted in ClinVar's aggregate classification.

Genomics England Pilot Project, Genomics England
Classification: Likely pathogenic for Bardet-Biedl syndrome 1. Review status: no assertion criteria provided. Criteria: ACGS Guidelines, 2016. Collection method: clinical testing. Allele origin: germline. Affected: yes. Not counted in ClinVar's aggregate classification.

Joint Genome Diagnostic Labs from Nijmegen and Maastricht, Radboudumc and MUMC+
Classification: Pathogenic. Review status: no assertion criteria provided. Collection method: clinical testing. Allele origin: germline. Affected: yes. Study: VKGL Data-share Consensus. Not counted in ClinVar's aggregate classification.

Literature cited by the submitters: PubMed 15770229 (cited by 4 submitters); PubMed 21520335 (cited by 4 submitters); PubMed 26261414 (cited by 4 submitters); PubMed 17576681 (cited by Labcorp Genetics (formerly Invitae), Labcorp); PubMed 9536098 (cited by Labcorp Genetics (formerly Invitae), Labcorp); PubMed 32531858 (cited by Natera, Inc. and Institute of Human Genetics, Univ. Regensburg, Univ. Regensburg); PubMed 22773737 (cited by Natera, Inc. and Counsyl); PubMed 31964843 (cited by Institute of Human Genetics, Univ. Regensburg, Univ. Regensburg); PubMed 31456290 (cited by Institute of Human Genetics, Univ. Regensburg, Univ. Regensburg); PubMed 34940782 (cited by Institute of Human Genetics, Univ. Regensburg, Univ. Regensburg); PubMed 34426522 (cited by Institute of Human Genetics, Univ. Regensburg, Univ. Regensburg); PubMed 33749171 (cited by Institute of Human Genetics, Univ. Regensburg, Univ. Regensburg); PubMed 34758253 (cited by Institute of Human Genetics, Univ. Regensburg, Univ. Regensburg); PubMed 35886001 (cited by Institute of Human Genetics, Univ. Regensburg, Univ. Regensburg); PubMed 21344540 (cited by Counsyl); PubMed 20120035 (cited by Counsyl); PubMed 20177705 (cited by Counsyl); PubMed 28041643 (cited by NIHR Bioresource Rare Diseases, University of Cambridge).

NM_024649.5(BBS1):c.479G>A (p.Arg160Gln)

Gene: BBS1 (Bardet-Biedl syndrome 1; plus strand). Cytogenetic location: 11q13.2.
Variant type: single nucleotide variant.
Coding change: c.479G>A on transcript NM_024649.5 (MANE Select); coding-DNA position 479, G replaced by A.
Protein change: p.Arg160Gln; replaces arginine 160 with glutamine.
Molecular consequence: missense variant.
Genome position (GRCh38, 1-based): chr11:66,515,586, G>A. VCF-style: chr11-66515586-G-A. GRCh37 (hg19) VCF-style: chr11-66283057-G-A.
Other names: short protein forms R160Q.
Identifiers: ClinVar variation 370228 (VCV000370228.75), dbSNP rs376894444, ClinGen allele CA6123351.